The following is an entry in ClinVar:

NM_001999.4(FBN2):c.2384G>C (p.Cys795Ser)

Gene: FBN2 (fibrillin 2; minus strand). Cytogenetic location: 5q23.3.
Variant type: single nucleotide variant.
Coding change: c.2384G>C on transcript NM_001999.4 (MANE Select); coding-DNA position 2384, G replaced by C.
Protein change: p.Cys795Ser; replaces cysteine 795 with serine.
Molecular consequence: missense variant.
Genome position (GRCh38, 1-based): chr5:128,364,644, C>G on the plus strand (G>C on the coding strand, the complement: FBN2 is on the minus strand). VCF-style: chr5-128364644-C-G. GRCh37 (hg19) VCF-style: chr5-127700337-C-G.
Other names: short protein forms C795S.
Identifiers: ClinVar variation 392221 (VCV000392221.2), dbSNP rs1057524398, ClinGen allele CA16604835.

ClinVar aggregate classification (germline): Uncertain significance (1 of 4 stars; one submission).

Submission:

GeneDx
Classification: Uncertain significance. Last evaluated: 2017-01-03. Review status: criteria provided, single submitter. Criteria: GeneDx Variant Classification (06012015). Collection method: clinical testing. Allele origin: germline. Affected: yes.
Comment: A variant of uncertain significance has been identified in the FBN2 gene. The C795S variant has not been published as a pathogenic variant, nor has it been reported as a benign variant to our knowledge. This variant was not observed in approximately 6,500 individuals of European and African American ancestry in the NHLBI Exome Sequencing Project, indicating it is not a common benign variant in these populations.The C795S variant is a non-conservative amino acid substitution, which is likely to impact secondary protein structure as these residues differ in polarity, charge, size and/or other properties. This substitution occurs at a position that is conserved across species. In silico analysis predicts this variant is probably damaging to the protein structure/function. Furthermore, the C795S variant affects a Cysteine residue within a calcium-binding EGF-like domain of the FBN2 gene, which may affect disulfide bonding and is predicted to alter the structure and function of the protein. Cysteine substitutions in the calcium-binding EGF-like domains represent the majority of pathogenic missense changes associated with congenital arachnodactyly (Collod-Beroud et al., 2003; Frederic et al., 2009). However, this variant lacks observation in a significant number of affected individuals, segregation data, and functional evidence, which would further clarify its pathogenicity.Therefore, based on the currently available information, it is unclear whether this variant is pathogenic or rare benign. This result cannot be interpreted for diagnosis or used for family member screening at this time.